The following is an entry in ClinVar:

NM_138691.2(TMC1):c.[1810C>T];[674C>T]

Variant type: CompoundHeterozygote.
Identifiers: ClinVar variation 424807 (VCV000424807.2).

ClinVar aggregate classification (germline): Pathogenic (0 of 4 stars; one submission).

Conditions:
Autosomal recessive nonsyndromic hearing loss 7. Also called: DEAFNESS, AUTOSOMAL RECESSIVE 11. Identifiers: Orphanet 90636, MedGen C1832978, MONDO:0010967, OMIM 600974.

Submission:

Laboratory of Prof. Karen Avraham, Tel Aviv University
Classification: Pathogenic for Autosomal recessive nonsyndromic hearing loss 7. Last evaluated: 2016-02-16. Review status: no assertion criteria provided. Collection method: research. Allele origin: germline. Affected: yes.
Comment: Congenital, profound HL

NSHL; recessive, DFNB7

Literature cited by the submitters: PubMed 18616530; PubMed 19187973; PubMed 21917145.